The following is an entry in ClinVar:

ClinVar aggregate classification (germline): Pathogenic (1 of 4 stars; one submission).

Conditions:
Neurodevelopmental disorder with hypotonia, stereotypic hand movements, and impaired language. Also called: Intellectual disability, autosomal dominant 20. Identifiers: Orphanet 228384, Orphanet 664410, MedGen C3150700, MONDO:0013266, OMIM 613443.

Submission:

Victorian Clinical Genetics Services, Murdoch Childrens Research Institute
Classification: Pathogenic for Neurodevelopmental disorder with hypotonia, stereotypic hand movements, and impaired language. Last evaluated: 2022-02-02. Review status: criteria provided, single submitter. Criteria: ACMG Guidelines, 2015. Collection method: clinical testing. Allele origin: germline. Inheritance: Autosomal dominant inheritance. Affected: yes.
Comment: Based on the classification scheme VCGS_Germline_v1.3.4, this variant is classified as Pathogenic. Following criteria are met: 0102 - Loss of function is a known mechanism of disease in this gene and is associated with intellectual disability, stereotypic movements, epilepsy, and/or cerebral malformations (MIM#613443). (I) 0107 - This gene is associated with autosomal dominant disease. (I) 0201 - Variant is predicted to cause nonsense-mediated decay (NMD) and loss of protein (premature termination codon is located at least 54 nucleotides upstream of the final exon-exon junction). (SP) 0251 - This variant is heterozygous. (I) 0301 - Variant is absent from gnomAD (both v2 and v3). (SP) 0701 - Other NMD predicted variants comparable to the one identified in this case have very strong previous evidence for pathogenicity (ClinVar). (SP) 0807 - This variant has no previous evidence of pathogenicity. (I) 0905 - No published segregation evidence has been identified for this variant. (I) 1007 - No published functional evidence has been identified for this variant. (I) 1208 - Inheritance information for this variant is not currently available in this individual. (I) Legend: (SP) - Supporting pathogenic, (I) - Information, (SB) - Supporting benign

NM_002397.5(MEF2C):c.908del (p.Leu303fs)

Gene: MEF2C (myocyte enhancer factor 2C; minus strand). Cytogenetic location: 5q14.3.
Variant type: Deletion.
Coding change: c.908del on transcript NM_002397.5 (MANE Select); coding-DNA position 908, one base deleted (T; older notation c.908delT).
Protein change: p.Leu303fs; shifts the reading frame from leucine 303.
Molecular consequence: frameshift variant.
Genome position (GRCh38, 1-based): chr5:88,729,274, A deleted on the plus strand (T on the coding strand, the reverse complement: MEF2C is on the minus strand); the first of 3 consecutive A bases (chr5:88,729,274-88,729,276); deleting any one gives the same sequence. VCF-style (leftmost placement, unchanged base first): chr5-88729273-TA-T. GRCh37 (hg19) VCF-style: chr5-88025090-TA-T.
Other names: c.878del, p.Leu293fs (NM_001131005.2, NM_001364343.2, NM_001364352.2); c.938del, p.Leu313fs (NM_001193347.1, NM_001364338.2); c.740del, p.Leu247fs (NM_001193348.1); c.764del, p.Leu255fs (NM_001193349.3, NM_001364332.2, NM_001364344.2 and 2 more transcripts); c.908del, p.Leu303fs (NM_001193350.2, NM_001363581.2, NM_001364329.2 and 9 more transcripts); c.884del, p.Leu295fs (NM_001308002.3, NM_001364333.2, NM_001364339.2 and 6 more transcripts); c.530del, p.Leu177fs (NM_001364353.2, NM_001364356.2); c.458del, p.Leu153fs (NM_001364357.2); short protein forms L153fs, L177fs, L247fs, L255fs, L293fs, L295fs, L303fs, L313fs.
Identifiers: ClinVar variation 1805133 (VCV001805133.1), dbSNP rs1581338441, ClinGen allele CA2573050703.